The following is an entry in ClinVar:

ClinVar aggregate classification (germline): Conflicting classifications of pathogenicity. Review status: criteria provided, conflicting classifications (1 of 4 stars). 5 submissions from 5 submitters: Uncertain significance (1); Likely benign (4). Last evaluated 2024-10-01.

Conditions:
Cardiovascular phenotype. Identifiers: MedGen CN230736.
Sitosterolemia (STSL). Also called: PHYTOSTEROLEMIA. Identifiers: Orphanet 2882, MedGen C0342907, MONDO:0008863.

Allele frequency attached by ClinVar (database versions not stated): gnomAD exomes below 0.00001 and 0.00001; gnomAD 0.00002 and 0.00003; TOPMed 0.00002; ESP Exome Variant Server 0.00015.
gnomAD v4.1: 10 of 1,575,786 alleles (0.00063%); highest among the groups gnomAD compares: Middle Eastern, 0.019%; no homozygotes.

Submissions (5):

CeGaT Center for Human Genetics Tuebingen
Classification: Likely benign. Last evaluated: 2024-10-01. Review status: criteria provided, single submitter. Criteria: CeGaT Center For Human Genetics Tuebingen Variant Classification Criteria Version 2. Collection method: clinical testing. Allele origin: germline. Affected: yes. Observed: 1 variant allele.
Comment: ABCG5: BP4, BP7

Blueprint Genetics
Classification: Likely benign. Last evaluated: 2024-04-19. Review status: criteria provided, single submitter. Criteria: ACMG Guidelines, 2015. Collection method: clinical testing. Allele origin: germline.

Labcorp Genetics (formerly Invitae), Labcorp
Classification: Likely benign for Sitosterolemia. Last evaluated: 2024-01-25. Review status: criteria provided, single submitter. Criteria: Invitae Variant Classification Sherloc (09022015). Collection method: clinical testing. Allele origin: germline.

Ambry Genetics
Classification: Likely benign for Cardiovascular phenotype. Last evaluated: 2022-10-27. Review status: criteria provided, single submitter. Criteria: Ambry Variant Classification Scheme 2023. Collection method: clinical testing. Allele origin: germline.

Eurofins Ntd Llc (ga)
Classification: Uncertain significance. Last evaluated: 2015-11-06. Review status: criteria provided, single submitter. Criteria: EGL Classification Definitions 2015. Collection method: clinical testing. Allele origin: germline. Observed: 1 variant allele, 1 heterozygote.

NM_022436.3(ABCG5):c.408C>T (p.Asp136=)

Gene: ABCG5 (ATP binding cassette subfamily G member 5; minus strand). Cytogenetic location: 2p21.
Variant type: single nucleotide variant.
Coding change: c.408C>T on transcript NM_022436.3 (MANE Select); coding-DNA position 408, C replaced by T.
Protein change: p.Asp136=; no amino-acid change (aspartic acid 136 retained).
Molecular consequence: synonymous variant.
Genome position (GRCh38, 1-based): chr2:43,831,862, G>A on the plus strand (C>T on the coding strand, the complement: ABCG5 is on the minus strand). VCF-style: chr2-43831862-G-A. GRCh37 (hg19) VCF-style: chr2-44059001-G-A.
Identifiers: ClinVar variation 284361 (VCV000284361.26), dbSNP rs141386201, ClinGen allele CA10604768.